The following is an entry in ClinVar:

ClinVar aggregate classification (germline): Pathogenic (1 of 4 stars; one submission).

Conditions:
Pyruvate dehydrogenase E1-alpha deficiency (PDHAD). Also called: Ataxia, intermittent, with pyruvate dehydrogenase, or decarboxylase, deficiency; ATAXIA, INTERMITTENT, WITH PYRUVATE DEHYDROGENASE DEFICIENCY; ATAXIA WITH LACTIC ACIDOSIS I; ATAXIA, INTERMITTENT, WITH ABNORMAL PYRUVATE METABOLISM. Identifiers: Orphanet 79243, MedGen C1839413, MONDO:0010717, OMIM 312170.

Submission:

Labcorp Genetics (formerly Invitae), Labcorp
Classification: Pathogenic for Pyruvate dehydrogenase E1-alpha deficiency. Last evaluated: 2018-04-05. Review status: criteria provided, single submitter. Criteria: Invitae Variant Classification Sherloc (09022015). Collection method: clinical testing. Allele origin: germline.
Comment: This sequence change affects an acceptor splice site in intron 1 of the PDHA1 gene. It is expected to disrupt RNA splicing and likely results in an absent or disrupted protein product. This variant is not present in population databases (ExAC no frequency). Algorithms developed to predict the effect of sequence changes on RNA splicing suggest that this variant may disrupt the consensus splice site, but this prediction has not been confirmed by published transcriptional studies. Donor and acceptor splice site variants typically lead to a loss of protein function (PMID: 16199547), and loss-of-function variants in PDHA1 are known to be pathogenic (PMID: 10679936, 21914562). For these reasons, this variant has been classified as Pathogenic.

Literature cited by the submitters: PubMed 10679936; PubMed 21914562.

NM_000284.4(PDHA1):c.58-1G>A

Gene: PDHA1 (pyruvate dehydrogenase E1 subunit alpha 1; plus strand). Cytogenetic location: Xp22.12.
Variant type: single nucleotide variant.
Coding change: c.58-1G>A on transcript NM_000284.4 (MANE Select); the canonical splice acceptor site of the intron before coding-DNA position 58, G replaced by A.
Molecular consequence: splice acceptor variant.
Genome position (GRCh38, 1-based): chrX:19,349,311, G>A. VCF-style: chrX-19349311-G-A. GRCh37 (hg19) VCF-style: chrX-19367429-G-A.
Other names: c.172-1G>A (NM_001173454.2); c.58-1G>A (NM_001173455.2, NM_001173456.2).
Identifiers: ClinVar variation 567912 (VCV000567912.1), dbSNP rs1569189834, ClinGen allele CA412389260.